The following is an entry in ClinVar:

ClinVar aggregate classification (germline): Uncertain significance. Review status: criteria provided, multiple submitters, no conflicts (2 of 4 stars). 2 submissions from 2 submitters: Uncertain significance (2). Last evaluated 2026-01-26.

Conditions:
DICER1-related tumor predisposition. Also called: DICER1-related pleuropulmonary blastoma cancer predisposition syndrome; DICER1 syndrome. Identifiers: Orphanet 284343, MedGen C3839822, MONDO:0100216.
Hereditary cancer-predisposing syndrome. Also called: Hereditary Cancer Syndrome; Neoplastic Syndromes, Hereditary; Hereditary neoplastic syndrome; Tumor predisposition. Identifiers: Orphanet 140162, MedGen C0027672, MeSH D009386, MONDO:0015356.

Allele frequency attached by ClinVar (database versions not stated): gnomAD exomes 0.00001.

Submissions (2):

Labcorp Genetics (formerly Invitae), Labcorp
Classification: Uncertain significance for DICER1-related tumor predisposition. Last evaluated: 2026-01-26. Review status: criteria provided, single submitter. Criteria: Invitae Variant Classification Sherloc (09022015). Collection method: clinical testing. Allele origin: germline.
Comment: This sequence change replaces arginine, which is basic and polar, with glutamine, which is neutral and polar, at codon 676 of the DICER1 protein (p.Arg676Gln). This variant is present in population databases (no rsID available, gnomAD 0.006%). This variant has not been reported in the literature in individuals affected with DICER1-related conditions. ClinVar contains an entry for this variant (Variation ID: 820551). Invitae Evidence Modeling of protein sequence and biophysical properties (such as structural, functional, and spatial information, amino acid conservation, physicochemical variation, residue mobility, and thermodynamic stability) indicates that this missense variant is not expected to disrupt DICER1 protein function with a negative predictive value of 95%. In summary, the available evidence is currently insufficient to determine the role of this variant in disease. Therefore, it has been classified as a Variant of Uncertain Significance.

Ambry Genetics
Classification: Uncertain significance for Hereditary cancer-predisposing syndrome. Last evaluated: 2024-06-03. Review status: criteria provided, single submitter. Criteria: Ambry Variant Classification Scheme 2023. Collection method: clinical testing. Allele origin: germline.
Comment: The p.R676Q variant (also known as c.2027G>A), located in coding exon 11 of the DICER1 gene, results from a G to A substitution at nucleotide position 2027. The arginine at codon 676 is replaced by glutamine, an amino acid with highly similar properties. This amino acid position is highly conserved in available vertebrate species. In addition, the in silico prediction for this alteration is inconclusive. Since supporting evidence is limited at this time, the clinical significance of this alteration remains unclear.

NM_177438.3(DICER1):c.2027G>A (p.Arg676Gln)

Gene: DICER1 (dicer 1, ribonuclease III; minus strand). Cytogenetic location: 14q32.13.
Variant type: single nucleotide variant.
Coding change: c.2027G>A on transcript NM_177438.3 (MANE Select); coding-DNA position 2027, G replaced by A.
Protein change: p.Arg676Gln; replaces arginine 676 with glutamine.
Molecular consequence: missense variant.
Genome position (GRCh38, 1-based): chr14:95,113,105, C>T on the plus strand (G>A on the coding strand, the complement: DICER1 is on the minus strand). VCF-style: chr14-95113105-C-T. GRCh37 (hg19) VCF-style: chr14-95579442-C-T.
Other names: c.2027G>A, p.Arg676Gln (NM_001195573.1, NM_001271282.3, NM_001291628.2 and 1 more transcripts); short protein forms R676Q.
Identifiers: ClinVar variation 820551 (VCV000820551.14), dbSNP rs892971080, ClinGen allele CA390883180.